The following is an entry in ClinVar:

ClinVar aggregate classification (germline): Conflicting classifications of pathogenicity. Review status: criteria provided, conflicting classifications (1 of 4 stars). 2 submissions from 1 submitter: Uncertain significance (1); Likely benign (1). Last evaluated 2018-01-13.

Conditions:
Autosomal recessive multiple pterygium syndrome. Also called: PTERYGIUM COLLI SYNDROME; PTERYGIUM SYNDROME; PTERYGIUM UNIVERSALE; MULTIPLE PTERYGIUM SYNDROME, ESCOBAR VARIANT. Identifiers: Orphanet 2990, MedGen C0265261, MONDO:0009926, OMIM 265000.
Congenital myasthenic syndrome (CMS). Also called: Congenital Myasthenic Syndromes. Identifiers: Orphanet 590, MedGen C0751882, MeSH D020294, MONDO:0018940.

Allele frequency attached by ClinVar (database versions not stated): gnomAD exomes 0.00014 and 0.00026; ExAC 0.00022; 1000 Genomes Project 30x 0.00062; gnomAD 0.00145 and 0.00130; 1000 Genomes Project 0.00060; TOPMed 0.00144.
gnomAD v4.1: 261 of 480,684 alleles (0.054%); highest among the groups gnomAD compares: African/African-American, 0.43%; 1 homozygote.

Submissions (2):

Illumina Laboratory Services, Illumina
Classification: Likely benign for Congenital myasthenic syndrome. Last evaluated: 2018-01-13. Review status: criteria provided, single submitter. Criteria: ICSL Variant Classification Criteria 13 December 2019. Collection method: clinical testing. Allele origin: germline.
Comment: This variant was observed in the ICSL laboratory as part of a predisposition screen in an ostensibly healthy population. It had not been previously curated by ICSL or reported in the Human Gene Mutation Database (HGMD: prior to June 1st, 2018), and was therefore a candidate for classification through an automated scoring system. Utilizing variant allele frequency, disease prevalence and penetrance estimates, and inheritance mode, an automated score was calculated to assess if this variant is too frequent to cause the disease. Based on the score and internal cut-off values, a variant classified as likely benign is not then subjected to further curation. The score for this variant resulted in a classification of likely benign for this disease.

Illumina Laboratory Services, Illumina
Classification: Uncertain significance for Autosomal recessive multiple pterygium syndrome. Last evaluated: 2018-01-13. Review status: criteria provided, single submitter. Criteria: ICSL Variant Classification Criteria 13 December 2019. Collection method: clinical testing. Allele origin: germline.

NM_000751.3(CHRND):c.*365C>A

Genes: CHRNG (cholinergic receptor nicotinic gamma subunit; plus strand), CHRND (cholinergic receptor nicotinic delta subunit; plus strand). Cytogenetic location: 2q37.1.
Variant type: single nucleotide variant.
Coding change: c.*365C>A on transcript NM_000751.3 (MANE Select); 365 bases downstream of the stop codon, C replaced by A.
Molecular consequence: 3 prime UTR variant.
Genome position (GRCh38, 1-based): chr2:232,535,677, C>A. VCF-style: chr2-232535677-C-A. GRCh37 (hg19) VCF-style: chr2-233400387-C-A.
Other names: c.*365C>A (NM_001256657.2, NM_001311195.2, NM_001311196.2).
Identifiers: ClinVar variation 897730 (VCV000897730.6), dbSNP rs112940737, ClinGen allele CA2168426.